The following is an entry in ClinVar:

ClinVar aggregate classification (germline): Uncertain significance (1 of 4 stars; one submission).

Conditions:
Acromesomelic dysplasia 1, Maroteaux type (AMD1). Also called: ST. HELENA DYSPLASIA; ACROMESOMELIC DYSPLASIA 1. Identifiers: Orphanet 40, MedGen C1864356, MONDO:0011275, OMIM 602875.
Tall stature-scoliosis-macrodactyly of the great toes syndrome. Also called: Epiphyseal chondrodysplasia, miura type. Identifiers: Orphanet 329191, MedGen C4014690, MONDO:0014401, OMIM 615923.

Submission:

Labcorp Genetics (formerly Invitae), Labcorp
Classification: Uncertain significance for Tall stature-scoliosis-macrodactyly of the great toes syndrome; Acromesomelic dysplasia 1, Maroteaux type. Last evaluated: 2023-07-17. Review status: criteria provided, single submitter. Criteria: Invitae Variant Classification Sherloc (09022015). Collection method: clinical testing. Allele origin: germline.
Comment: This variant is not present in population databases (gnomAD no frequency). In summary, the available evidence is currently insufficient to determine the role of this variant in disease. Therefore, it has been classified as a Variant of Uncertain Significance. Advanced modeling of protein sequence and biophysical properties (such as structural, functional, and spatial information, amino acid conservation, physicochemical variation, residue mobility, and thermodynamic stability) performed at Invitae indicates that this missense variant is not expected to disrupt NPR2 protein function. This variant has not been reported in the literature in individuals affected with NPR2-related conditions. This sequence change replaces phenylalanine, which is neutral and non-polar, with valine, which is neutral and non-polar, at codon 129 of the NPR2 protein (p.Phe129Val).

NM_003995.4(NPR2):c.385T>G (p.Phe129Val)

Gene: NPR2 (natriuretic peptide receptor 2; plus strand). Cytogenetic location: 9p13.3.
Variant type: single nucleotide variant.
Coding change: c.385T>G on transcript NM_003995.4 (MANE Select); coding-DNA position 385, T replaced by G.
Protein change: p.Phe129Val; replaces phenylalanine 129 with valine.
Molecular consequence: missense variant.
Genome position (GRCh38, 1-based): chr9:35,792,793, T>G. VCF-style: chr9-35792793-T-G. GRCh37 (hg19) VCF-style: chr9-35792790-T-G.
Other names: c.385T>G, p.Phe129Val (NM_001378923.1); short protein forms F129V.
Identifiers: ClinVar variation 2949695 (VCV002949695.3), dbSNP rs2491028981, ClinGen allele CA373363614.